The following is an entry in ClinVar:

NM_001165963.4(SCN1A):c.869A>G (p.His290Arg)

Gene: SCN1A (sodium voltage-gated channel alpha subunit 1; minus strand). Cytogenetic location: 2q24.3.
Variant type: single nucleotide variant.
Coding change: c.869A>G on transcript NM_001165963.4 (MANE Select); coding-DNA position 869, A replaced by G.
Protein change: p.His290Arg; replaces histidine 290 with arginine.
Molecular consequence: missense variant. On other transcripts: 5 prime UTR variant (1), non-coding transcript variant (1).
Genome position (GRCh38, 1-based): chr2:166,051,814, T>C on the plus strand (A>G on the coding strand, the complement: SCN1A is on the minus strand). VCF-style: chr2-166051814-T-C. GRCh37 (hg19) VCF-style: chr2-166908324-T-C.
Other names: c.869A>G, p.His290Arg (NM_001165964.3, NM_001202435.3, NM_001353948.2 and 10 more transcripts); c.-1557A>G (NM_001353961.2); short protein forms H290R.
Identifiers: ClinVar variation 3720380 (VCV003720380.2).

ClinVar aggregate classification (germline): Uncertain significance (1 of 4 stars; one submission).

Conditions:
Early-infantile DEE. Also called: Ohtahara syndrome; Early infantile epileptic encephalopathy with suppression bursts; Early infantile epileptic encephalopathy. Identifiers: Orphanet 1934, MedGen C0393706, MONDO:0800491.

Submission:

Labcorp Genetics (formerly Invitae), Labcorp
Classification: Uncertain significance for Early-infantile DEE. Last evaluated: 2025-01-30. Review status: criteria provided, single submitter. Criteria: Invitae Variant Classification Sherloc (09022015). Collection method: clinical testing. Allele origin: germline.
Comment: This sequence change replaces histidine, which is basic and polar, with arginine, which is basic and polar, at codon 290 of the SCN1A protein (p.His290Arg). This variant is not present in population databases (gnomAD no frequency). This missense change has been observed in individual(s) with intractable epilepsy (PMID: 23195492). Invitae Evidence Modeling of protein sequence and biophysical properties (such as structural, functional, and spatial information, amino acid conservation, physicochemical variation, residue mobility, and thermodynamic stability) indicates that this missense variant is not expected to disrupt SCN1A protein function with a negative predictive value of 95%. In summary, the available evidence is currently insufficient to determine the role of this variant in disease. Therefore, it has been classified as a Variant of Uncertain Significance.

Literature cited by the submitters: PubMed 23195492.